The following is an entry in ClinVar:

ClinVar aggregate classification (germline): Pathogenic (1 of 4 stars; one submission).

Allele frequency attached by ClinVar (database versions not stated): gnomAD exomes below 0.00001.
gnomAD v4.1: 1 of 1,598,342 alleles (0.000063%); highest among the groups gnomAD compares: East Asian, 0.0022%; no homozygotes.

Submission:

Labcorp Genetics (formerly Invitae), Labcorp
Classification: Pathogenic. Last evaluated: 2024-10-03. Review status: criteria provided, single submitter. Criteria: Invitae Variant Classification Sherloc (09022015). Collection method: clinical testing. Allele origin: germline.
Comment: This sequence change creates a premature translational stop signal (p.Gln317*) in the HPS5 gene. It is expected to result in an absent or disrupted protein product. Loss-of-function variants in HPS5 are known to be pathogenic (PMID: 12548288, 15296495, 21833017, 26785811). This variant is not present in population databases (gnomAD no frequency). This variant has not been reported in the literature in individuals affected with HPS5-related conditions. For these reasons, this variant has been classified as Pathogenic.

Literature cited by the submitters: PubMed 12548288; PubMed 15296495; PubMed 21833017; PubMed 26785811.

NM_181507.2(HPS5):c.949C>T (p.Gln317Ter)

Gene: HPS5 (HPS5 biogenesis of lysosomal organelles complex 2 subunit 2; minus strand). Cytogenetic location: 11p15.1.
Variant type: single nucleotide variant.
Coding change: c.949C>T on transcript NM_181507.2 (MANE Select); coding-DNA position 949, C replaced by T.
Protein change: p.Gln317Ter; replaces glutamine 317 with a stop codon.
Molecular consequence: nonsense.
Genome position (GRCh38, 1-based): chr11:18,300,864, G>A on the plus strand (C>T on the coding strand, the complement: HPS5 is on the minus strand). VCF-style: chr11-18300864-G-A. GRCh37 (hg19) VCF-style: chr11-18322411-G-A.
Other names: c.607C>T, p.Gln203Ter (NM_007216.4, NM_181508.2); short protein forms Q203*, Q317*.
Identifiers: ClinVar variation 2755486 (VCV002755486.3), dbSNP rs2493988502, ClinGen allele CA379499549.